The following is an entry in ClinVar:

NM_001376.5(DYNC1H1):c.11683A>T (p.Thr3895Ser)

Gene: DYNC1H1 (dynein cytoplasmic 1 heavy chain 1; plus strand). Cytogenetic location: 14q32.31.
Variant type: single nucleotide variant.
Coding change: c.11683A>T on transcript NM_001376.5 (MANE Select); coding-DNA position 11683, A replaced by T.
Protein change: p.Thr3895Ser; replaces threonine 3895 with serine.
Molecular consequence: missense variant.
Genome position (GRCh38, 1-based): chr14:102,039,725, A>T. VCF-style: chr14-102039725-A-T. GRCh37 (hg19) VCF-style: chr14-102506062-A-T.
Other names: short protein forms T3895S.
Identifiers: ClinVar variation 1738599 (VCV001738599.5), dbSNP rs1326124955, ClinGen allele CA391035284.

ClinVar aggregate classification (germline): Uncertain significance. Review status: criteria provided, multiple submitters, no conflicts (2 of 4 stars). 2 submissions from 2 submitters: Uncertain significance (2). Last evaluated 2023-05-30.

Conditions:
Inborn genetic diseases. Identifiers: MedGen C0950123, MeSH D030342.
Charcot-Marie-Tooth disease axonal type 2O. Also called: Charcot-Marie-Tooth disease, axonal, type 20; CHARCOT-MARIE-TOOTH NEUROPATHY, AXONAL, TYPE 2O; CHARCOT-MARIE-TOOTH DISEASE, AXONAL, AUTOSOMAL DOMINANT, TYPE 2O; Charcot-Marie-Tooth Neuropathy Type 2O. Identifiers: Orphanet 284232, MedGen C3280220, MONDO:0013644, OMIM 614228.

Submissions (2):

Labcorp Genetics (formerly Invitae), Labcorp
Classification: Uncertain significance for Charcot-Marie-Tooth disease axonal type 2O. Last evaluated: 2023-05-30. Review status: criteria provided, single submitter. Criteria: Invitae Variant Classification Sherloc (09022015). Collection method: clinical testing. Allele origin: germline.
Comment: In summary, the available evidence is currently insufficient to determine the role of this variant in disease. Therefore, it has been classified as a Variant of Uncertain Significance. Advanced modeling of protein sequence and biophysical properties (such as structural, functional, and spatial information, amino acid conservation, physicochemical variation, residue mobility, and thermodynamic stability) performed at Invitae indicates that this missense variant is not expected to disrupt DYNC1H1 protein function. ClinVar contains an entry for this variant (Variation ID: 1738599). This variant has not been reported in the literature in individuals affected with DYNC1H1-related conditions. This variant is not present in population databases (gnomAD no frequency). This sequence change replaces threonine, which is neutral and polar, with serine, which is neutral and polar, at codon 3895 of the DYNC1H1 protein (p.Thr3895Ser).

Ambry Genetics
Classification: Uncertain significance for Inborn genetic diseases. Last evaluated: 2018-08-17. Review status: criteria provided, single submitter. Criteria: Ambry Variant Classification Scheme 2023. Collection method: clinical testing. Allele origin: germline.
Comment: The p.T3895S variant (also known as c.11683A>T), located in coding exon 62 of the DYNC1H1 gene, results from an A to T substitution at nucleotide position 11683. The threonine at codon 3895 is replaced by serine, an amino acid with similar properties. This amino acid position is not well conserved in available vertebrate species. In addition, this alteration is predicted to be tolerated by in silico analysis. Since supporting evidence is limited at this time, the clinical significance of this alteration remains unclear.